The following is an entry in ClinVar:

ClinVar aggregate classification (germline): Uncertain significance. Review status: criteria provided, multiple submitters, no conflicts (2 of 4 stars). 2 submissions from 2 submitters: Uncertain significance (2). Last evaluated 2021-08-31.

Conditions:
Brugada syndrome. Also called: Sudden unexpected nocturnal death syndrome; Sudden unexplained nocturnal death syndrome; Sudden Unexplained Death Syndrome; Sudden Unexplained Nocturnal Death Syndrome (SUNDS). Identifiers: Orphanet 130, MedGen C1142166, MONDO:0015263.
Cardiovascular phenotype. Identifiers: MedGen CN230736.

Allele frequency attached by ClinVar (database versions not stated): gnomAD 0.00001; gnomAD exomes 0.00001 and 0.00002; ExAC 0.00003.
gnomAD v4.1: 6 of 1,613,960 alleles (0.00037%); highest among the groups gnomAD compares: Admixed American, 0.01%; no homozygotes.

Submissions (2):

Labcorp Genetics (formerly Invitae), Labcorp
Classification: Uncertain significance for Brugada syndrome. Last evaluated: 2021-08-31. Review status: criteria provided, single submitter. Criteria: Invitae Variant Classification Sherloc (09022015). Collection method: clinical testing. Allele origin: germline.
Comment: This sequence change replaces lysine with threonine at codon 50 of the SCN10A protein (p.Lys50Thr). The lysine residue is moderately conserved and there is a moderate physicochemical difference between lysine and threonine. This variant is present in population databases (rs757655001, ExAC 0.03%). This variant has not been reported in the literature in individuals affected with SCN10A-related conditions. Algorithms developed to predict the effect of missense changes on protein structure and function are either unavailable or do not agree on the potential impact of this missense change (SIFT: "Tolerated"; PolyPhen-2: "Possibly Damaging"; Align-GVGD: "Class C0"). In summary, the available evidence is currently insufficient to determine the role of this variant in disease. Therefore, it has been classified as a Variant of Uncertain Significance.

Ambry Genetics
Classification: Uncertain significance for Cardiovascular phenotype. Last evaluated: 2021-08-06. Review status: criteria provided, single submitter. Criteria: Ambry Variant Classification Scheme 2023. Collection method: clinical testing. Allele origin: germline.
Comment: The p.K50T variant (also known as c.149A>C), located in coding exon 1 of the SCN10A gene, results from an A to C substitution at nucleotide position 149. The lysine at codon 50 is replaced by threonine, an amino acid with similar properties. This alteration has been reported in an autism spectrum disorder cohort; however, clinical details were limited (Patowary A et al. Transl Psychiatry, 2019 01;9:4). This amino acid position is well conserved in available vertebrate species. In addition, the in silico prediction for this alteration is inconclusive. Since supporting evidence is limited at this time, the clinical significance of this alteration remains unclear.

Literature cited by the submitters: PubMed 30664616 (cited by Ambry Genetics).

NM_006514.4(SCN10A):c.149A>C (p.Lys50Thr)

Gene: SCN10A (sodium voltage-gated channel alpha subunit 10; minus strand). Cytogenetic location: 3p22.2.
Variant type: single nucleotide variant.
Coding change: c.149A>C on transcript NM_006514.4 (MANE Select); coding-DNA position 149, A replaced by C.
Protein change: p.Lys50Thr; replaces lysine 50 with threonine.
Molecular consequence: missense variant.
Genome position (GRCh38, 1-based): chr3:38,793,862, T>G on the plus strand (A>C on the coding strand, the complement: SCN10A is on the minus strand). VCF-style: chr3-38793862-T-G. GRCh37 (hg19) VCF-style: chr3-38835353-T-G.
Other names: c.149A>C, p.Lys50Thr (NM_001293306.2, NM_001293307.2); short protein forms K50T.
Identifiers: ClinVar variation 576748 (VCV000576748.4), dbSNP rs757655001, ClinGen allele CA2321298.
Genomic context (GRCh38, chr3:38,793,862, plus strand): 5'-AGCTCACCATAGAACTTGGGCAGCTGGTTGCAGGCTTTCAAGTCCAGCTGGGGCCGAGGC[T>G]TCTCTTCTTGGTCCTTCTGCTCCCTATGCTTCTCTCTGGCTTTCTTTGTTCCCTGCTTGG-3'
Protein context (NP_006505.4, residues 40-60): KHREQKDQEE[Lys50Thr]PRPQLDLKAC